The following is an entry in ClinVar:

ClinVar aggregate classification (germline): Likely benign (0 of 4 stars; one submission).

Conditions:
SLC51B-related disorder. Also called: SLC51B-related condition.

Allele frequency attached by ClinVar (database versions not stated): gnomAD 0.00002; gnomAD exomes 0.00002; TOPMed 0.00003.
gnomAD v4.1: 32 of 1,550,294 alleles (0.0021%); highest among the groups gnomAD compares: Non-Finnish European, 0.0025%; no homozygotes.

Submission:

PreventionGenetics, part of Exact Sciences
Classification: Likely benign for SLC51B-related condition. Last evaluated: 2023-08-08. Review status: no assertion criteria provided. Collection method: clinical testing. Allele origin: germline.
Comment: This variant is classified as likely benign based on ACMG/AMP sequence variant interpretation guidelines (Richards et al. 2015 PMID: 25741868, with internal and published modifications).

NM_178859.4(SLC51B):c.-4G>A

Genes: RASL12 (RAS like family 12; minus strand), SLC51B (SLC51 subunit beta; plus strand). Cytogenetic location: 15q22.31.
Variant type: single nucleotide variant.
Coding change: c.-4G>A on transcript NM_178859.4 (MANE Select); 4 bases upstream of the start codon, G replaced by A.
Molecular consequence: 5 prime UTR variant.
Genome position (GRCh38, 1-based): chr15:65,050,001, G>A. VCF-style: chr15-65050001-G-A. GRCh37 (hg19) VCF-style: chr15-65342339-G-A.
Identifiers: ClinVar variation 3029898 (VCV003029898.2), dbSNP rs749508267, ClinGen allele CA7613453.